The following is an entry in ClinVar:

NM_033026.6(PCLO):c.1591T>A (p.Ser531Thr)

Gene: PCLO (piccolo presynaptic cytomatrix protein; minus strand). Cytogenetic location: 7q21.11.
Variant type: single nucleotide variant.
Coding change: c.1591T>A on transcript NM_033026.6 (MANE Select); coding-DNA position 1591, T replaced by A.
Protein change: p.Ser531Thr; replaces serine 531 with threonine.
Molecular consequence: missense variant.
Genome position (GRCh38, 1-based): chr7:83,155,050, A>T on the plus strand (T>A on the coding strand, the complement: PCLO is on the minus strand). VCF-style: chr7-83155050-A-T. GRCh37 (hg19) VCF-style: chr7-82784366-A-T.
Other names: c.1591T>A, p.Ser531Thr (NM_014510.3); short protein forms S531T.
Identifiers: ClinVar variation 2026832 (VCV002026832.4), dbSNP rs112239934, ClinGen allele CA367913573.

ClinVar aggregate classification (germline): Uncertain significance (1 of 4 stars; one submission).

Submission:

Labcorp Genetics (formerly Invitae), Labcorp
Classification: Uncertain significance. Last evaluated: 2022-08-19. Review status: criteria provided, single submitter. Criteria: Invitae Variant Classification Sherloc (09022015). Collection method: clinical testing. Allele origin: germline.
Comment: This variant is not present in population databases (gnomAD no frequency). This sequence change replaces serine, which is neutral and polar, with threonine, which is neutral and polar, at codon 531 of the PCLO protein (p.Ser531Thr). This variant has not been reported in the literature in individuals affected with PCLO-related conditions. In summary, the available evidence is currently insufficient to determine the role of this variant in disease. Therefore, it has been classified as a Variant of Uncertain Significance. Algorithms developed to predict the effect of missense changes on protein structure and function are either unavailable or do not agree on the potential impact of this missense change (SIFT: "Deleterious"; PolyPhen-2: "Possibly Damaging"; Align-GVGD: "Class C0").